The following is an entry in ClinVar:

NM_000199.5(SGSH):c.344G>T (p.Gly115Val)

Gene: SGSH (N-sulfoglucosamine sulfohydrolase; minus strand). Cytogenetic location: 17q25.3.
Variant type: single nucleotide variant.
Coding change: c.344G>T on transcript NM_000199.5 (MANE Select); coding-DNA position 344, G replaced by T.
Protein change: p.Gly115Val; replaces glycine 115 with valine.
Molecular consequence: missense variant.
Genome position (GRCh38, 1-based): chr17:80,215,044, C>A on the plus strand (G>T on the coding strand, the complement: SGSH is on the minus strand). VCF-style: chr17-80215044-C-A. GRCh37 (hg19) VCF-style: chr17-78188843-C-A.
Other names: c.344G>T, p.Gly115Val (NM_001352921.3, NM_001352922.2); c.344G>T (NM_000199.3); short protein forms G115V.
Identifiers: ClinVar variation 2141856 (VCV002141856.2), dbSNP rs770321343, ClinGen allele CA8818079.

ClinVar aggregate classification (germline): Uncertain significance. Review status: criteria provided, multiple submitters, no conflicts (2 of 4 stars). 2 submissions from 2 submitters: Uncertain significance (2). Last evaluated 2023-12-17.

Conditions:
Inborn genetic diseases. Identifiers: MedGen C0950123, MeSH D030342.
Mucopolysaccharidosis, MPS-III-A (MPS3A). Also called: HEPARAN SULFATE SULFATASE DEFICIENCY; SANFILIPPO SYNDROME A; SULFAMIDASE DEFICIENCY; MPS III A; Mucopolysaccharidosis, type IIIA; MUCOPOLYSACCHARIDOSIS, TYPE IIIA, ATTENUATED. Identifiers: Orphanet 581, Orphanet 79269, MedGen C0086647, MONDO:0009655, OMIM 252900.

Allele frequency attached by ClinVar (database versions not stated): ExAC 0.00001; gnomAD 0.00001; TOPMed 0.00001.

Submissions (2):

Ambry Genetics
Classification: Uncertain significance for Inborn genetic diseases. Last evaluated: 2023-12-17. Review status: criteria provided, single submitter. Criteria: Ambry Variant Classification Scheme 2023. Collection method: clinical testing. Allele origin: germline.

Labcorp Genetics (formerly Invitae), Labcorp
Classification: Uncertain significance for Mucopolysaccharidosis, MPS-III-A. Last evaluated: 2022-03-29. Review status: criteria provided, single submitter. Criteria: Invitae Variant Classification Sherloc (09022015). Collection method: clinical testing. Allele origin: germline.
Comment: This sequence change replaces glycine, which is neutral and non-polar, with valine, which is neutral and non-polar, at codon 115 of the SGSH protein (p.Gly115Val). This variant is present in population databases (rs770321343, gnomAD 0.02%). This variant has not been reported in the literature in individuals affected with SGSH-related conditions. Advanced modeling of protein sequence and biophysical properties (such as structural, functional, and spatial information, amino acid conservation, physicochemical variation, residue mobility, and thermodynamic stability) performed at Invitae indicates that this missense variant is expected to disrupt SGSH protein function. In summary, the available evidence is currently insufficient to determine the role of this variant in disease. Therefore, it has been classified as a Variant of Uncertain Significance.